The following is an entry in ClinVar:

NM_000179.3(MSH6):c.4002-22_4002-10delinsAAGGG

Gene: MSH6 (mutS homolog 6; plus strand). Cytogenetic location: 2p16.3.
Variant type: Indel.
Coding change: c.4002-22_4002-10delinsAAGGG on transcript NM_000179.3 (MANE Select); 22 bases into the intron before coding-DNA position 4002 through 10 bases into the intron before coding-DNA position 4002, TTTTTTTTTTTTT replaced by AAGGG.
Molecular consequence: intron variant.
Genome position (GRCh38, 1-based): chr2:47,806,757-47,806,769, TTTTTTTTTTTTT replaced by AAGGG. VCF-style: chr2-47806757-TTTTTTTTTTTTT-AAGGG. GRCh37 (hg19) VCF-style: chr2-48033896-TTTTTTTTTTTTT-AAGGG.
Other names: c.3096-22_3096-10delinsAAGGG (NM_001281493.2, NM_001281494.2); c.3612-22_3612-10delinsAAGGG (NM_001281492.2); c.4002-22_4002-10del13insAAGGG (NM_000179.2).
Identifiers: ClinVar variation 237205 (VCV000237205.10), dbSNP rs878853744, ClinGen allele CA10582094.
Genomic context (GRCh38, chr2:47,806,757, plus strand): 5'-TTCAAAGAAACAGTAAAAGGGGAAGGGATGATGCACTATGAAAAAACAAAAAAACTTTTT[TTTTTTTTTTTTT>AAGGG]AATTTTAAGGGAAGTTTGCCTGGCTAGTGAAAGGTCAACTGTAGATGCTGAAGCTGTCCA-3'

ClinVar aggregate classification (germline): Conflicting classifications of pathogenicity. Review status: criteria provided, conflicting classifications (1 of 4 stars). 5 submissions from 4 submitters: Likely pathogenic (3); Uncertain significance (2). Last evaluated 2025-06-25.

Conditions:
Hereditary nonpolyposis colorectal neoplasms. Identifiers: MedGen C0009405, MeSH D003123.
Lynch syndrome. Identifiers: Orphanet 144, MedGen C4552100, MONDO:0005835. Disease mechanism: loss of function.
Hereditary cancer-predisposing syndrome. Also called: Hereditary neoplastic syndrome; Hereditary Cancer Syndrome; Neoplastic Syndromes, Hereditary; Tumor predisposition. Identifiers: Orphanet 140162, MedGen C0027672, MeSH D009386, MONDO:0015356.

Submissions (5):

Color Diagnostics, LLC DBA Color Health
Classification: Likely pathogenic for Hereditary cancer-predisposing syndrome. Last evaluated: 2025-06-25. Review status: criteria provided, single submitter. Criteria: ACMG Guidelines, 2015. Collection method: clinical testing. Allele origin: germline.
Comment: This variant causes the deletion of 13 pyrimidine and the insertion of 5 purine nucleotides including an AG-dinucleotide in the polypyrimidine tract at the intron 9 acceptor site of the MSH6 gene. Splice site prediction tools predict that this variant may have a significant impact on RNA splicing. Although this prediction has not been confirmed in published RNA studies, this variant is expected to result in an absent or disrupted protein product. This variant has been reported in individuals affected with features of Lynch syndrome including several probands with tumors that have the loss of MSH6 by immunohistochemistry (ClinVar accession: SCV002625352.2, SCV004672483.2). This variant has not been identified in the general population by the Genome Aggregation Database (gnomAD). Based on the available evidence, this variant is classified as Likely Pathogenic.

Ambry Genetics
Classification: Likely pathogenic for Hereditary cancer-predisposing syndrome. Last evaluated: 2023-12-20. Review status: criteria provided, single submitter. Criteria: Ambry Variant Classification Scheme 2023. Collection method: clinical testing. Allele origin: germline.
Comment: The c.4002-22_4002-10del13insAAGGG intronic variant, located in intron 9 of the MSH6 gene, results from an in-frame deletion of 13 nucleotides at nucleotide positions c.4002-22 to c.4002-10 and the insertion of 5 nucleotides (AAGGG). This variant has been identified in several probands whose Lynch syndrome-associated tumors demonstrated loss of MSH6 expression by immunohistochemistry (Ambry internal data). In silico splice site analysis predicts that this alteration will weaken the native splice acceptor site; however, direct evidence is insufficient at this time (Ambry internal data). Based on the majority of available evidence to date, this variant is likely to be pathogenic.

Labcorp Genetics (formerly Invitae), Labcorp
Classification: Likely pathogenic for Hereditary nonpolyposis colorectal neoplasms. Last evaluated: 2023-11-06. Review status: criteria provided, single submitter. Criteria: Invitae Variant Classification Sherloc (09022015). Collection method: clinical testing. Allele origin: germline.
Comment: This sequence change falls in intron 9 of the MSH6 gene. It does not directly change the encoded amino acid sequence of the MSH6 protein. This variant is not present in population databases (gnomAD no frequency). This variant has been observed in individuals with clinical features of Lynch syndrome (Invitae). This variant is also known as c.4002-22_4002-10delinsAAGGG. Studies have shown that this variant is associated with inconclusive levels of altered splicing (Invitae). In summary, the currently available evidence indicates that the variant is pathogenic, but additional data are needed to prove that conclusively. Therefore, this variant has been classified as Likely Pathogenic.

GeneDx
Classification: Uncertain significance. Last evaluated: 2017-08-22. Review status: criteria provided, single submitter. Criteria: GeneDx Variant Classification (06012015). Collection method: clinical testing. Allele origin: germline. Affected: yes.
Comment: This variant is denoted MSH6 c.4002-22_4002-10del13insAAGGG or IVS9-22_IVS9-10del13insAAGGG and consists of a deletion of 13 nucleotides and insertion of 5 nucleotides in intron 9 of the MSH6 gene. The normal sequence, with the bases that are deleted and inserted in brackets, is cttttt[del13][insaaggg]aatt. Multiple in silico models predict this variant to destroy the nearby natural splice acceptor site and to possibly cause abnormal gene splicing; however, in the absence of RNA or functional studies, the actual effect of this variant is unknown. This variant has not, to our knowledge, been published in the literature as pathogenic or benign. MSH6 c.4002-22_4002-10del13insAAGGG was not observed in large population cohorts (NHLBI Exome Sequencing Project, The 1000 Genomes Consortium 2015, Lek 2016). The nucleotides that are deleted are not conserved. Based on currently available information, it is unclear whether this variant is pathogenic or benign. We consider it to be a variant of uncertain significance.

Labcorp Genetics (formerly Invitae), Labcorp
Classification: Uncertain significance for Hereditary nonpolyposis colorectal neoplasms. Last evaluated: 2015-11-02. Review status: criteria provided, single submitter. Criteria: Invitae Variant Classification Sherloc (09022015). Collection method: clinical testing. Allele origin: germline.
Comment: This sequence change falls in intron 9 of the MSH6 mRNA. It does not directly change the encoded amino acid sequence of the MSH6 protein. This variant is not present in population databases (ExAC no frequency) and has not been reported in the literature. Algorithms developed to predict the effect of nucleotide changes on mRNA splicing suggest that this intronic variant may alter mRNA splicing, but this prediction has not been confirmed by published transcriptional studies. In summary, this is a novel intronic change with uncertain impact on splicing. It has been classified as a Variant of Uncertain Significance.